The following is an entry in ClinVar:

ClinVar aggregate classification (germline): Uncertain significance (1 of 4 stars; one submission).

Conditions:
Methylcobalamin deficiency type cblG (HMAG). Also called: HOMOCYSTINURIA-MEGALOBLASTIC ANEMIA, cblG COMPLEMENTATION TYPE; HOMOCYSTINURIA-MEGALOBLASTIC ANEMIA, cblG TYPE; HOMOCYSTINURIA-MEGALOBLASTIC ANEMIA DUE TO DEFECT IN COBALAMIN METABOLISM, cblG COMPLEMENTATION TYPE; Functional methionine synthase deficiency type cblG. Identifiers: Orphanet 2170, Orphanet 622, MedGen C1855128, MONDO:0009609, OMIM 250940.

Allele frequency attached by ClinVar (database versions not stated): gnomAD exomes below 0.00001; TOPMed below 0.00001.
gnomAD v4.1: 5 of 1,614,086 alleles (0.00031%); highest among the groups gnomAD compares: South Asian, 0.0011%; no homozygotes.

Submission:

Labcorp Genetics (formerly Invitae), Labcorp
Classification: Uncertain significance for Methylcobalamin deficiency type cblG. Last evaluated: 2024-07-06. Review status: criteria provided, single submitter. Criteria: Invitae Variant Classification Sherloc (09022015). Collection method: clinical testing. Allele origin: germline.
Comment: This sequence change replaces arginine, which is basic and polar, with glutamine, which is neutral and polar, at codon 1132 of the MTR protein (p.Arg1132Gln). This variant is present in population databases (no rsID available, gnomAD 0.003%). This missense change has been observed in individuals with cobalamin G deficiency (PMID: 25526710; Invitae). ClinVar contains an entry for this variant (Variation ID: 1403382). Advanced modeling of protein sequence and biophysical properties (such as structural, functional, and spatial information, amino acid conservation, physicochemical variation, residue mobility, and thermodynamic stability) performed at Invitae indicates that this missense variant is expected to disrupt MTR protein function with a positive predictive value of 80%. In summary, the available evidence is currently insufficient to determine the role of this variant in disease. Therefore, it has been classified as a Variant of Uncertain Significance.

Literature cited by the submitters: PubMed 25526710.

NM_000254.3(MTR):c.3395G>A (p.Arg1132Gln)

Gene: MTR (5-methyltetrahydrofolate-homocysteine methyltransferase; plus strand). Cytogenetic location: 1q43.
Variant type: single nucleotide variant.
Coding change: c.3395G>A on transcript NM_000254.3 (MANE Select); coding-DNA position 3395, G replaced by A.
Protein change: p.Arg1132Gln; replaces arginine 1132 with glutamine.
Molecular consequence: missense variant.
Genome position (GRCh38, 1-based): chr1:236,894,547, G>A. VCF-style: chr1-236894547-G-A. GRCh37 (hg19) VCF-style: chr1-237057847-G-A.
Other names: c.3242G>A, p.Arg1081Gln (NM_001291939.1); c.2174G>A, p.Arg725Gln (NM_001291940.2); short protein forms R1081Q, R1132Q, R725Q.
Identifiers: ClinVar variation 1403382 (VCV001403382.8), dbSNP rs1305962485, ClinGen allele CA345389257.